The following is an entry in ClinVar:

NM_002691.4(POLD1):c.2261G>A (p.Gly754Asp)

Gene: POLD1 (DNA polymerase delta 1, catalytic subunit; plus strand). Cytogenetic location: 19q13.33.
Variant type: single nucleotide variant.
Coding change: c.2261G>A on transcript NM_002691.4 (MANE Select); coding-DNA position 2261, G replaced by A.
Protein change: p.Gly754Asp; replaces glycine 754 with aspartic acid.
Molecular consequence: missense variant. On other transcripts: non-coding transcript variant (1).
Genome position (GRCh38, 1-based): chr19:50,413,752, G>A. VCF-style: chr19-50413752-G-A. GRCh37 (hg19) VCF-style: chr19-50917009-G-A.
Other names: c.2261G>A, p.Gly754Asp (NM_001256849.1, NM_001438212.1, NM_001438213.1); c.2339G>A, p.Gly780Asp (NM_001308632.1); c.2189G>A, p.Gly730Asp (NM_001438210.1, NM_001438211.1); c.2261G>A (NM_002691.2); short protein forms G754D, G780D, G730D.
Identifiers: ClinVar variation 4743533 (VCV004743533.2).
Genomic context (GRCh38, chr19:50,413,752, plus strand): 5'-TGACAGAAGGGACCCTGCTTCTCACATACACACATCCCCACCGCCCGCAGGTGGTGTATG[G>A]TGACACTGACTCCGTCATGTGCCGATTCGGCGTGTCCTCGGTGGCTGAGGCGATGGCCCT-3'
Protein context (NP_002682.2, residues 744-764): GYSTSAKVVY[Gly754Asp]DTDSVMCRFG

ClinVar aggregate classification (germline): Uncertain significance. Review status: criteria provided, multiple submitters, no conflicts (2 of 4 stars). 2 submissions from 2 submitters: Uncertain significance (2). Last evaluated 2026-06-18.

Conditions:
POLD1-related polyposis and colorectal cancer syndrome (CRCS10). Also called: Colorectal cancer 10; COLORECTAL CANCER, SUSCEPTIBILITY TO, ON CHROMOSOME 19q; Colorectal cancer, susceptibility to, 10. Identifiers: Orphanet 220460, MedGen C2675481, MONDO:0012953, OMIM 612591.
Hereditary cancer-predisposing syndrome. Also called: Hereditary Cancer Syndrome; Hereditary neoplastic syndrome; Neoplastic Syndromes, Hereditary; Tumor predisposition. Identifiers: Orphanet 140162, MedGen C0027672, MeSH D009386, MONDO:0015356.

Submissions (2):

Ambry Genetics
Classification: Uncertain significance for Hereditary cancer-predisposing syndrome. Last evaluated: 2026-06-18. Review status: criteria provided, single submitter. Criteria: Ambry Variant Classification Scheme 2023. Collection method: clinical testing. Allele origin: germline.
Comment: The p.G754D variant (also known as c.2261G>A), located in coding exon 18 of the POLD1 gene, results from a G to A substitution at nucleotide position 2261. The glycine at codon 754 is replaced by aspartic acid, an amino acid with similar properties. This amino acid position is conserved. In addition, this alteration is predicted to be deleterious by in silico analysis. Based on the available evidence, the clinical significance of this variant remains unclear.

Labcorp Genetics (formerly Invitae), Labcorp
Classification: Uncertain significance for POLD1-related polyposis and colorectal cancer syndrome. Last evaluated: 2025-05-02. Review status: criteria provided, single submitter. Criteria: Invitae Variant Classification Sherloc (09022015). Collection method: clinical testing. Allele origin: germline.
Comment: This sequence change replaces glycine, which is neutral and non-polar, with aspartic acid, which is acidic and polar, at codon 754 of the POLD1 protein (p.Gly754Asp). This variant is not present in population databases (gnomAD no frequency). This variant has not been reported in the literature in individuals affected with POLD1-related conditions. Invitae Evidence Modeling of protein sequence and biophysical properties (such as structural, functional, and spatial information, amino acid conservation, physicochemical variation, residue mobility, and thermodynamic stability) indicates that this missense variant is expected to disrupt POLD1 protein function with a positive predictive value of 80%. In summary, the available evidence is currently insufficient to determine the role of this variant in disease. Therefore, it has been classified as a Variant of Uncertain Significance.